The following is an entry in ClinVar:

ClinVar aggregate classification (germline): Uncertain significance (1 of 4 stars; one submission).

gnomAD v4.1: 15 of 1,613,642 alleles (0.00093%); highest among the groups gnomAD compares: Middle Eastern, 0.033%; no homozygotes.

Submission:

Mayo Clinic Laboratories, Mayo Clinic
Classification: Uncertain significance. Last evaluated: 2025-08-08. Review status: criteria provided, single submitter. Criteria: ACMG Guidelines, 2015. Collection method: clinical testing. Allele origin: germline. Observed: 1 variant allele.
Comment: BP4

NM_014363.6(SACS):c.8959G>A (p.Glu2987Lys)

Gene: SACS (sacsin molecular chaperone; minus strand). Cytogenetic location: 13q12.12.
Variant type: single nucleotide variant.
Coding change: c.8959G>A on transcript NM_014363.6 (MANE Select); coding-DNA position 8959, G replaced by A.
Protein change: p.Glu2987Lys; replaces glutamic acid 2987 with lysine.
Molecular consequence: missense variant.
Genome position (GRCh38, 1-based): chr13:23,334,917, C>T on the plus strand (G>A on the coding strand, the complement: SACS is on the minus strand). VCF-style: chr13-23334917-C-T. GRCh37 (hg19) VCF-style: chr13-23909056-C-T.
Other names: p.Glu2987Lys; c.8518G>A, p.Glu2840Lys (NM_001278055.2); c.8986G>A, p.Glu2996Lys (NM_001437336.1); short protein forms E2987K, E2840K, E2996K.
Identifiers: ClinVar variation 4541759 (VCV004541759.1).